The following is an entry in ClinVar:

NM_016356.5(DCDC2):c.1223C>T (p.Thr408Ile)

Gene: DCDC2 (doublecortin domain containing 2; minus strand). Cytogenetic location: 6p22.3.
Variant type: single nucleotide variant.
Coding change: c.1223C>T on transcript NM_016356.5 (MANE Select); coding-DNA position 1223, C replaced by T.
Protein change: p.Thr408Ile; replaces threonine 408 with isoleucine.
Molecular consequence: missense variant.
Genome position (GRCh38, 1-based): chr6:24,178,433, G>A on the plus strand (C>T on the coding strand, the complement: DCDC2 is on the minus strand). VCF-style: chr6-24178433-G-A. GRCh37 (hg19) VCF-style: chr6-24178661-G-A.
Other names: c.1223C>T, p.Thr408Ile (NM_001195610.2); short protein forms T408I.
Identifiers: ClinVar variation 1395243 (VCV001395243.6), dbSNP rs1367144327, ClinGen allele CA363279992.

ClinVar aggregate classification (germline): Uncertain significance (1 of 4 stars; one submission).

Conditions:
Isolated neonatal sclerosing cholangitis (NSC). Also called: Sclerosing cholangitis, neonatal. Identifiers: Orphanet 480556, MedGen C4479344, MONDO:0018816, OMIM 617394.
Autosomal recessive nonsyndromic hearing loss 66 (DFNB66). Also called: Deafness, autosomal recessive 66. Identifiers: Orphanet 90636, MedGen C1857750, MONDO:0012442, OMIM 610212.

Allele frequency attached by ClinVar (database versions not stated): gnomAD exomes below 0.00001; gnomAD 0.00001; TOPMed 0.00001.
gnomAD v4.1: 5 of 1,613,974 alleles (0.00031%); highest among the groups gnomAD compares: South Asian, 0.0022%; no homozygotes.

Submission:

Labcorp Genetics (formerly Invitae), Labcorp
Classification: Uncertain significance for Autosomal recessive nonsyndromic hearing loss 66; Isolated neonatal sclerosing cholangitis. Last evaluated: 2022-05-27. Review status: criteria provided, single submitter. Criteria: Invitae Variant Classification Sherloc (09022015). Collection method: clinical testing. Allele origin: germline.
Comment: In summary, the available evidence is currently insufficient to determine the role of this variant in disease. Therefore, it has been classified as a Variant of Uncertain Significance. Algorithms developed to predict the effect of missense changes on protein structure and function (SIFT, PolyPhen-2, Align-GVGD) all suggest that this variant is likely to be tolerated. This variant has not been reported in the literature in individuals affected with DCDC2-related conditions. This variant is present in population databases (no rsID available, gnomAD 0.003%). This sequence change replaces threonine, which is neutral and polar, with isoleucine, which is neutral and non-polar, at codon 408 of the DCDC2 protein (p.Thr408Ile).